The following is an entry in ClinVar:

ClinVar aggregate classification (germline): Likely benign. Review status: criteria provided, multiple submitters, no conflicts (2 of 4 stars). 5 submissions from 5 submitters: Likely benign (3). 2 of the submissions do not count toward it. Last evaluated 2025-11-06.

Conditions:
Isolated dental anomalies.
Inborn genetic diseases. Identifiers: MedGen C0950123, MeSH D030342.
ANKRD11-related disorder. Also called: ANKRD11-related condition.
KBG syndrome (KBGS). Also called: ANKRD11-Related KBG Syndrome. Identifiers: Orphanet 2332, MedGen C0220687, MONDO:0007846, OMIM 148050.

Allele frequency attached by ClinVar (database versions not stated): TOPMed 0.00002; ESP Exome Variant Server 0.00008; gnomAD 0.00009; 1000 Genomes Project 30x 0.00062; 1000 Genomes Project 0.00080.
gnomAD v4.1: 156 of 1,613,788 alleles (0.0097%); highest among the groups gnomAD compares: South Asian, 0.16%; no homozygotes.

Submissions (5):

Labcorp Genetics (formerly Invitae), Labcorp
Classification: Likely benign for KBG syndrome. Last evaluated: 2025-11-06. Review status: criteria provided, single submitter. Criteria: Invitae Variant Classification Sherloc (09022015). Collection method: clinical testing. Allele origin: germline.

Blueprint Genetics
Classification: Likely benign. Last evaluated: 2024-04-02. Review status: criteria provided, single submitter. Criteria: ACMG Guidelines, 2015. Collection method: clinical testing. Allele origin: germline.

Ambry Genetics
Classification: Likely benign for Inborn genetic diseases. Last evaluated: 2021-10-27. Review status: criteria provided, single submitter. Criteria: Ambry Variant Classification Scheme 2023. Collection method: clinical testing. Allele origin: germline.

Center of Excellence in Medical Genetics Research, Chiang Mai University
Classification: Likely benign for Isolated dental anomalies. Last evaluated: 2026-08-18. Review status: no assertion criteria provided. Collection method: research. Allele origin: germline. Affected: yes. Observed: 1 variant allele. Not counted in ClinVar's aggregate classification.
Comment: NM_013275.6:c.1735T>G is a missense variant in ANKRD11. The in silico mutation prediction results were MutationTaster (Polymorphism; 0.992415184786135), PolyPhen-2 (Probably Damaging; 0.861), SIFT (Probably Damaging; 0.021), CADD (20.6), and DANN (Uncertain; 0.9773). It occurs at a rare allele frequency in the gnomAD population database (gnomAD Global = 0.00009667, South Asian = 0.001592, East Asian = 0.00002228) and is absent from the T-Rex database (Thai exomes: 0/2184) (BS1). This variant has been previously reported in ClinVar with likely benign from 3 submitters (BP6). In summary, based on the ACMG/AMP criteria applied, this variant is classified as likely benign for isolated dental anomalies.

PreventionGenetics, part of Exact Sciences
Classification: Likely benign for ANKRD11-related condition. Last evaluated: 2021-03-22. Review status: no assertion criteria provided. Collection method: clinical testing. Allele origin: germline. Not counted in ClinVar's aggregate classification.
Comment: This variant is classified as likely benign based on ACMG/AMP sequence variant interpretation guidelines (Richards et al. 2015 PMID: 25741868, with internal and published modifications).

NM_013275.6(ANKRD11):c.1735T>G (p.Tyr579Asp)

Gene: ANKRD11 (ankyrin repeat domain 11; minus strand). Cytogenetic location: 16q24.3.
Variant type: single nucleotide variant.
Coding change: c.1735T>G on transcript NM_013275.6 (MANE Select); coding-DNA position 1735, T replaced by G.
Protein change: p.Tyr579Asp; replaces tyrosine 579 with aspartic acid.
Molecular consequence: missense variant.
Genome position (GRCh38, 1-based): chr16:89,284,807, A>C on the plus strand (T>G on the coding strand, the complement: ANKRD11 is on the minus strand). VCF-style: chr16-89284807-A-C. GRCh37 (hg19) VCF-style: chr16-89351215-A-C.
Other names: c.1735T>G (NM_013275.5); c.1735T>G, p.Tyr579Asp (NM_001256182.2, NM_001256183.2); short protein forms Y579D.
Identifiers: ClinVar variation 1932837 (VCV001932837.10), dbSNP rs143817649, ClinGen allele CA8242706.